The following is an entry in ClinVar:

ClinVar aggregate classification (germline): Uncertain significance. Review status: criteria provided, multiple submitters, no conflicts (2 of 4 stars). 2 submissions from 2 submitters: Uncertain significance (2). Last evaluated 2025-05-01.

Conditions:
VHL-related disorder. Also called: VHL-related condition.
Von Hippel-Lindau syndrome (VHLS). Also called: von Hippel–Lindau syndrome; VHL syndrome; Von Hippel-Lindau. Identifiers: Orphanet 892, MedGen C0019562, MONDO:0008667, OMIM 193300. Disease mechanism: loss of function.
Chuvash polycythemia. Also called: POLYCYTHEMIA, VHL-DEPENDENT. Identifiers: Orphanet 238557, MedGen C1837915, MONDO:0009892, OMIM 263400.

Allele frequency attached by ClinVar (database versions not stated): TOPMed 0.00001.

Submissions (2):

PreventionGenetics, part of Exact Sciences
Classification: Uncertain significance for VHL-related condition. Last evaluated: 2025-05-01. Review status: criteria provided, single submitter. Criteria: ACMG Guidelines, 2015. Collection method: clinical testing. Allele origin: germline.
Comment: The VHL c.352C>G variant is predicted to result in the amino acid substitution p.Pro118Ala. This variant is also known as c.340+587C>G on the primary clinically relevant transcript (NM_000551) and is located within a cryptic exon of the VHL gene. This variant is not predicted to impact splicing based on available splicing prediction programs (SpliceAI, Jaganathan et al. 2019. PubMed ID: 30661751). To our knowledge, this variant has not been reported in the literature or in a large population database, indicating this variant is rare. This variant is interpreted as uncertain in ClinVar. At this time, the clinical significance of this variant is uncertain due to the absence of conclusive functional and genetic evidence.

Labcorp Genetics (formerly Invitae), Labcorp
Classification: Uncertain significance for Von Hippel-Lindau syndrome; Chuvash polycythemia. Last evaluated: 2024-07-16. Review status: criteria provided, single submitter. Criteria: Invitae Variant Classification Sherloc (09022015). Collection method: clinical testing. Allele origin: germline.
Comment: This sequence change falls in intron 1 of the VHL gene. It is not expected to change the encoded amino acid sequence of the VHL protein. However, this sequence change falls within a cryptic exon in the VHL gene, known as exon E1’, which is naturally expressed at low levels in several human tissues (PMID: 29891534). This variant is not present in population databases (gnomAD no frequency). This variant has not been reported in the literature in individuals affected with VHL-related conditions. ClinVar contains an entry for this variant (Variation ID: 1463138). Algorithms developed to predict the effect of sequence changes on RNA splicing suggest that this variant is not likely to affect RNA splicing. In summary, the available evidence is currently insufficient to determine the role of this variant in disease. Therefore, it has been classified as a Variant of Uncertain Significance.

Literature cited by the submitters: PubMed 29891534 (cited by Labcorp Genetics (formerly Invitae), Labcorp).

NM_000551.4(VHL):c.340+587C>G

Genes: VHL (von Hippel-Lindau tumor suppressor; plus strand), LOC107303340 (3p25 von Hippel-Lindau tumor suppressor, E3 ubiquitin protein ligase Alu-mediated recombination region; plus strand). Cytogenetic location: 3p25.3.
Variant type: single nucleotide variant.
Coding change: c.340+587C>G on transcript NM_000551.4 (MANE Select); 587 bases into the intron after coding-DNA position 340, C replaced by G.
Molecular consequence: intron variant. On other transcripts: missense variant (1).
Genome position (GRCh38, 1-based): chr3:10,142,774, C>G. VCF-style: chr3-10142774-C-G. GRCh37 (hg19) VCF-style: chr3-10184458-C-G.
Other names: c.352C>G (NM_001354723.1); c.352C>G, p.Pro118Ala (NM_001354723.2); c.340+587C>G (NM_198156.3); short protein forms P118A.
Identifiers: ClinVar variation 1463138 (VCV001463138.8), dbSNP rs1488349413, ClinGen allele CA896160176.